The following is an entry in ClinVar:

ClinVar aggregate classification (germline): Pathogenic (1 of 4 stars; one submission).

Conditions:
Sulfite oxidase deficiency due to molybdenum cofactor deficiency type C. Also called: Molybdenum cofactor deficiency, complementation group C; Molybdenum cofactor deficiency C. Identifiers: Orphanet 308400, Orphanet 833, MedGen C1854990, MONDO:0014212, OMIM 615501.

Submission:

Labcorp Genetics (formerly Invitae), Labcorp
Classification: Pathogenic for Sulfite oxidase deficiency due to molybdenum cofactor deficiency type C. Last evaluated: 2023-08-03. Review status: criteria provided, single submitter. Criteria: Invitae Variant Classification Sherloc (09022015). Collection method: clinical testing. Allele origin: unknown.
Comment: For these reasons, this variant has been classified as Pathogenic. This variant has not been reported in the literature in individuals affected with GPHN-related conditions. This variant is a gross deletion of the genomic region encompassing exon(s) 2 of the GPHN gene. This deletion is out-of-frame, and is expected to create a premature termination codon and result in an absent or disrupted protein product. Loss-of-function variants in GPHN are known to be pathogenic (PMID: 11095995, 23184456, 23393157, 24561070, 26613940).

Literature cited by the submitters: PubMed 11095995; PubMed 23184456; PubMed 23393157; PubMed 24561070; PubMed 26613940.

NC_000014.8:g.(?_67147805)_(67147923_?)del

Gene: GPHN (gephyrin; plus strand). Cytogenetic location: 14q23.3.
Variant type: Deletion.
Identifiers: ClinVar variation 3243986 (VCV003243986.1).